The following is an entry in ClinVar:

NM_005592.4(MUSK):c.206+2T>C

Gene: MUSK (muscle associated receptor tyrosine kinase; plus strand). Cytogenetic location: 9q31.3.
Variant type: single nucleotide variant.
Coding change: c.206+2T>C on transcript NM_005592.4 (MANE Select); the canonical splice donor site of the intron after coding-DNA position 206, T replaced by C.
Molecular consequence: splice donor variant.
Genome position (GRCh38, 1-based): chr9:110,682,802, T>C. VCF-style: chr9-110682802-T-C. GRCh37 (hg19) VCF-style: chr9-113445082-T-C.
Other names: c.206+2T>C (NM_001166280.2, NM_001166281.2).
Identifiers: ClinVar variation 2934900 (VCV002934900.3), dbSNP rs2076149627, ClinGen allele CA374670410.

ClinVar aggregate classification (germline): Likely pathogenic (1 of 4 stars; one submission).

Conditions:
Fetal akinesia deformation sequence 1 (FADS1). Also called: Fetal akinesia sequence; Pena-Shokeir syndrome type I. Identifiers: Orphanet 994, MedGen C1276035, MONDO:0100101, OMIM 208150, HP:0001989.
Congenital myasthenic syndrome 9. Also called: Myasthenic syndrome, congenital, 9, associated with acetylcholine receptor deficiency. Identifiers: Orphanet 590, MedGen C4225368, MONDO:0014587, OMIM 616325.

Allele frequency attached by ClinVar (database versions not stated): gnomAD exomes below 0.00001; gnomAD 0.00001.
gnomAD v4.1: 3 of 1,610,288 alleles (0.00019%); highest among the groups gnomAD compares: Non-Finnish European, 0.00025%; no homozygotes.

Submission:

Labcorp Genetics (formerly Invitae), Labcorp
Classification: Likely pathogenic for Congenital myasthenic syndrome 9; Fetal akinesia deformation sequence 1. Last evaluated: 2023-08-29. Review status: criteria provided, single submitter. Criteria: Invitae Variant Classification Sherloc (09022015). Collection method: clinical testing. Allele origin: germline.
Comment: This sequence change affects a donor splice site in intron 2 of the MUSK gene. It is expected to disrupt RNA splicing. Variants that disrupt the donor or acceptor splice site typically lead to a loss of protein function (PMID: 16199547), and loss-of-function variants in MUSK are known to be pathogenic (PMID: 8653786, 25612909, 25695962, 25900532). This variant is not present in population databases (gnomAD no frequency). This variant has not been reported in the literature in individuals affected with MUSK-related conditions. Algorithms developed to predict the effect of sequence changes on RNA splicing suggest that this variant may create or strengthen a splice site. In summary, the currently available evidence indicates that the variant is pathogenic, but additional data are needed to prove that conclusively. Therefore, this variant has been classified as Likely Pathogenic.

Literature cited by the submitters: PubMed 16199547; PubMed 8653786; PubMed 25612909; PubMed 25695962; PubMed 25900532.